The following is an entry in ClinVar:

NM_015702.3(MMADHC):c.562G>A (p.Val188Ile)

Gene: MMADHC (metabolism of cobalamin associated D; minus strand). Cytogenetic location: 2q23.2.
Variant type: single nucleotide variant.
Coding change: c.562G>A on transcript NM_015702.3 (MANE Select); coding-DNA position 562, G replaced by A.
Protein change: p.Val188Ile; replaces valine 188 with isoleucine.
Molecular consequence: missense variant.
Genome position (GRCh38, 1-based): chr2:149,575,758, C>T on the plus strand (G>A on the coding strand, the complement: MMADHC is on the minus strand). VCF-style: chr2-149575758-C-T. GRCh37 (hg19) VCF-style: chr2-150432272-C-T.
Other names: short protein forms V188I.
Identifiers: ClinVar variation 2414471 (VCV002414471.3), dbSNP rs970302868, ClinGen allele CA348870031.

ClinVar aggregate classification (germline): Uncertain significance (1 of 4 stars; one submission).

Conditions:
Methylmalonic aciduria and homocystinuria type cblD (MAHCD). Also called: METHYLMALONIC ACIDEMIA, cblH TYPE; Methylmalonic aciduria with homocystinuria cblD type. Identifiers: Orphanet 622, Orphanet 79283, MedGen C1848552, MONDO:0010185, OMIM 277410.

Submission:

Labcorp Genetics (formerly Invitae), Labcorp
Classification: Uncertain significance for Methylmalonic aciduria and homocystinuria type cblD. Last evaluated: 2022-07-05. Review status: criteria provided, single submitter. Criteria: Invitae Variant Classification Sherloc (09022015). Collection method: clinical testing. Allele origin: germline.
Comment: This sequence change replaces valine, which is neutral and non-polar, with isoleucine, which is neutral and non-polar, at codon 188 of the MMADHC protein (p.Val188Ile). This variant is not present in population databases (gnomAD no frequency). This variant has not been reported in the literature in individuals affected with MMADHC-related conditions. Algorithms developed to predict the effect of missense changes on protein structure and function output the following: SIFT: "Tolerated"; PolyPhen-2: "Benign"; Align-GVGD: "Class C0". The isoleucine amino acid residue is found in multiple mammalian species, which suggests that this missense change does not adversely affect protein function. In summary, the available evidence is currently insufficient to determine the role of this variant in disease. Therefore, it has been classified as a Variant of Uncertain Significance.